The following is an entry in ClinVar:

ClinVar aggregate classification (germline): Uncertain significance (1 of 4 stars; one submission).

Allele frequency attached by ClinVar (database versions not stated): TOPMed 0.00001.

Submission:

Labcorp Genetics (formerly Invitae), Labcorp
Classification: Uncertain significance. Last evaluated: 2018-10-25. Review status: criteria provided, single submitter. Criteria: Invitae Variant Classification Sherloc (09022015). Collection method: clinical testing. Allele origin: germline.
Comment: In summary, the available evidence is currently insufficient to determine the role of this variant in disease. Therefore, it has been classified as a Variant of Uncertain Significance. Algorithms developed to predict the effect of missense changes on protein structure and function are either unavailable or do not agree on the potential impact of this missense change (SIFT: "Deleterious"; PolyPhen-2: "Probably Damaging"; Align-GVGD: "Class C0"). This variant has not been reported in the literature in individuals with SZT2-related disease. This variant is not present in population databases (ExAC no frequency). This sequence change replaces valine with phenylalanine at codon 3353 of the SZT2 protein (p.Val3353Phe). The valine residue is highly conserved and there is a small physicochemical difference between valine and phenylalanine.

NM_001365999.1(SZT2):c.10228G>T (p.Val3410Phe)

Gene: SZT2 (SZT2 subunit of KICSTOR complex; plus strand). Cytogenetic location: 1p34.2.
Variant type: single nucleotide variant.
Coding change: c.10228G>T on transcript NM_001365999.1 (MANE Select); coding-DNA position 10228, G replaced by T.
Protein change: p.Val3410Phe; replaces valine 3410 with phenylalanine.
Molecular consequence: missense variant.
Genome position (GRCh38, 1-based): chr1:43,450,409, G>T. VCF-style: chr1-43450409-G-T. GRCh37 (hg19) VCF-style: chr1-43916080-G-T.
Other names: c.10057G>T, p.Val3353Phe (NM_015284.4); short protein forms V3410F, V3353F.
Identifiers: ClinVar variation 639245 (VCV000639245.8), dbSNP rs1570754482, ClinGen allele CA339975066.